The following is an entry in ClinVar:

NM_017780.4(CHD7):c.6274_6281del (p.Glu2092fs)

Gene: CHD7 (chromodomain helicase DNA binding protein 7; plus strand). Cytogenetic location: 8q12.2.
Variant type: Deletion.
Coding change: c.6274_6281del on transcript NM_017780.4 (MANE Select); coding-DNA positions 6274 to 6281, 8 bases deleted (GAGTGTGG; older notation c.6274_6281delGAGTGTGG).
Protein change: p.Glu2092fs; shifts the reading frame from glutamic acid 2092.
Molecular consequence: frameshift variant. On other transcripts: intron variant (1).
Genome position (GRCh38, 1-based): chr8:60,852,999-60,853,006, GAGTGTGG deleted; deleting any 8 consecutive bases within chr8:60,852,995-60,853,006 gives the same sequence; the c. name uses the placement nearest the transcript's 3' end. VCF-style (leftmost placement, unchanged base first): chr8-60852994-GGTGGGAGT-G. GRCh37 (hg19) VCF-style: chr8-61765553-GGTGGGAGT-G.
Other names: c.1717-9230_1717-9223del (NM_001316690.1); short protein forms E2092fs.
Identifiers: ClinVar variation 5038118 (VCV005038118.1).

ClinVar aggregate classification (germline): Likely pathogenic (1 of 4 stars; one submission).

Conditions:
CHD7-related CHARGE syndrome. Identifiers: MedGen CN380413, MONDO:1010178, OMIM 214800.

Submission:

MVZ Medizinische Genetik Mainz
Classification: Likely pathogenic for CHD7-related CHARGE syndrome. Last evaluated: 2026-01-16. Review status: criteria provided, single submitter. Criteria: UK Practice Guidelines For Variant Classification V4 01 2020. Collection method: clinical testing. Allele origin: germline. Inheritance: Autosomal dominant inheritance. Affected: yes. Observed: 1 variant allele.
Comment: ACMG Criteria: PVS1,PM2_SUP